The following is an entry in ClinVar:

ClinVar aggregate classification (germline): Conflicting classifications of pathogenicity. Review status: criteria provided, conflicting classifications (1 of 4 stars). 5 submissions from 5 submitters: Uncertain significance (1); Likely benign (4). Last evaluated 2026-03-27.

Conditions:
Catecholaminergic polymorphic ventricular tachycardia 1. Also called: VENTRICULAR TACHYCARDIA, CATECHOLAMINERGIC POLYMORPHIC, 1, WITH OR WITHOUT ATRIAL DYSFUNCTION AND/OR DILATED CARDIOMYOPATHY; VENTRICULAR TACHYCARDIA, STRESS-INDUCED POLYMORPHIC 1; RYR2-Related Catecholaminergic Polymorphic Ventricular Tachycardia. Identifiers: Orphanet 3286, MedGen C1631597, MONDO:0011484, OMIM 604772.
Cardiovascular phenotype. Identifiers: MedGen CN230736.
Catecholaminergic polymorphic ventricular tachycardia (CVPT). Also called: Catecholamine-induced polymorphic ventricular tachycardia. Identifiers: Orphanet 3286, MedGen C5574922, MONDO:0017990.
Cardiomyopathy (CMYO). Also called: Cardiomyopathies. Identifiers: Orphanet 167848, MedGen C0878544, MONDO:0004994, HP:0001638. Inheritance: Various modes of inheritance.

Allele frequency attached by ClinVar (database versions not stated): gnomAD exomes below 0.00001; TOPMed below 0.00001; ExAC 0.00001.
gnomAD v4.1: 2 of 1,612,740 alleles (0.00012%); highest among the groups gnomAD compares: Non-Finnish European, 0.00017%; no homozygotes.

Submissions (5):

Molecular Diagnostic Laboratory for Inherited Cardiovascular Disease, Montreal Heart Institute
Classification: Likely benign. Last evaluated: 2026-03-27. Review status: criteria provided, single submitter. Criteria: ACMG Guidelines, 2015. Collection method: clinical testing. Allele origin: germline. Affected: no.
Comment: BP7

Color Diagnostics, LLC DBA Color Health
Classification: Likely benign for Cardiomyopathy. Last evaluated: 2025-07-20. Review status: criteria provided, single submitter. Criteria: ACMG Guidelines, 2015. Collection method: clinical testing. Allele origin: germline.

All of Us Research Program, National Institutes of Health
Classification: Uncertain significance for Catecholaminergic polymorphic ventricular tachycardia. Last evaluated: 2023-06-26. Review status: criteria provided, single submitter. Criteria: ACMG Guidelines, 2015. Collection method: clinical testing. Allele origin: germline. Inheritance: Autosomal dominant inheritance. Observed: 1 variant allele, 1 heterozygote.
Comment: This variant is located in the RYR2 protein. To our knowledge, functional studies have not been reported for this variant. This variant has not been reported in individuals affected with RYR2-related disorders in the literature. This variant has been identified in 1/248214 chromosomes in the general population by the Genome Aggregation Database (gnomAD). The available evidence is insufficient to determine the role of this variant in disease conclusively. Therefore, this variant is classified as a Variant of Uncertain Significance.

This study involves interpretation of variants in research participants for the purpose of population health screening. Participant phenotype was not available at the time of variant classification. Additional details can be found in publication PMID: 35346344, PMCID: PMC8962531

Ambry Genetics
Classification: Likely benign for Cardiovascular phenotype. Last evaluated: 2022-10-27. Review status: criteria provided, single submitter. Criteria: Ambry Variant Classification Scheme 2023. Collection method: clinical testing. Allele origin: germline.

Labcorp Genetics (formerly Invitae), Labcorp
Classification: Likely benign for Catecholaminergic polymorphic ventricular tachycardia 1. Last evaluated: 2022-09-22. Review status: criteria provided, single submitter. Criteria: Invitae Variant Classification Sherloc (09022015). Collection method: clinical testing. Allele origin: germline.

NM_001035.3(RYR2):c.4659C>T (p.Phe1553=)

Gene: RYR2 (ryanodine receptor 2; plus strand). Cytogenetic location: 1q43.
Variant type: single nucleotide variant.
Coding change: c.4659C>T on transcript NM_001035.3 (MANE Select); coding-DNA position 4659, C replaced by T.
Protein change: p.Phe1553=; no amino-acid change (phenylalanine 1553 retained).
Molecular consequence: synonymous variant.
Genome position (GRCh38, 1-based): chr1:237,602,087, C>T. VCF-style: chr1-237602087-C-T. GRCh37 (hg19) VCF-style: chr1-237765387-C-T.
Identifiers: ClinVar variation 1154306 (VCV001154306.15), dbSNP rs767900430, ClinGen allele CA086679.